The following is an entry in ClinVar:

ClinVar aggregate classification (germline): Pathogenic. Review status: criteria provided, single submitter (1 of 4 stars). 3 submissions from 2 submitters: Pathogenic (1). 2 of the submissions do not count toward it. Last evaluated 2022-05-16.

Conditions:
Prostate cancer. Also called: Malignant tumor of prostate. Identifiers: Orphanet 1331, MedGen C0376358, MONDO:0008315, HP:0012125.
Hereditary breast ovarian cancer syndrome. Also called: Breast and ovarian cancer; Hereditary breast and/or ovarian cancer syndrome; Hereditary breast and ovarian cancer syndrome; Hereditary breast and ovarian cancer syndrome (HBOC); Hereditary breast and ovarian cancer; BRCA1- and BRCA2-Associated Hereditary Breast and Ovarian Cancer. Identifiers: Orphanet 145, MedGen C0677776, MeSH D061325, MONDO:0003582. Disease mechanism: loss of function.
Breast carcinoma. Also called: Carcinoma of breast. Identifiers: MedGen C0678222, MONDO:0004989, HP:0003002.

Submissions (3):

Labcorp Genetics (formerly Invitae), Labcorp
Classification: Pathogenic for Hereditary breast ovarian cancer syndrome. Last evaluated: 2022-05-16. Review status: criteria provided, single submitter. Criteria: Invitae Variant Classification Sherloc (09022015). Collection method: clinical testing. Allele origin: germline.
Comment: For these reasons, this variant has been classified as Pathogenic. ClinVar contains an entry for this variant (Variation ID: 1180448). This variant has not been reported in the literature in individuals affected with BRCA2-related conditions. This variant is not present in population databases (gnomAD no frequency). This sequence change creates a premature translational stop signal (p.Glu215Lysfs*15) in the BRCA2 gene. It is expected to result in an absent or disrupted protein product. Loss-of-function variants in BRCA2 are known to be pathogenic (PMID: 20104584).

Anoual Laboratory of Radio-Immuno Analysis
Classification: Pathogenic for Prostate cancer. Review status: no assertion criteria provided. Collection method: clinical testing. Allele origin: germline. Affected: yes. Observed: 1 variant allele. Not counted in ClinVar's aggregate classification.
Comment: c.643delG (p.Glu215LysfsTer15) variant is due to the deletion of guanine nucleotide at position 643 of BRCA2 gene, which cause the substitution of Glutamine amino acid with lysine and create a stop codon at position 230 of the new reading frame shift. This variant has been classified by Oncomine variant class pipeline as a Truncating variant causing a loss of function.

Anoual Laboratory of Radio-Immuno Analysis
Classification: Pathogenic for Breast carcinoma. Review status: no assertion criteria provided. Collection method: clinical testing. Allele origin: germline. Affected: yes. Observed: 1 variant allele. Not counted in ClinVar's aggregate classification.
Comment: the same text as in the submission from Anoual Laboratory of Radio-Immuno Analysis above.

Literature cited by the submitters: PubMed 20104584 (cited by Labcorp Genetics (formerly Invitae), Labcorp).

NM_000059.4(BRCA2):c.643del (p.Glu215fs)

Gene: BRCA2 (BRCA2 DNA repair associated; plus strand). Cytogenetic location: 13q13.1.
Variant type: Deletion.
Coding change: c.643del on transcript NM_000059.4 (MANE Select); coding-DNA position 643, one base deleted (G; older notation c.643delG).
Protein change: p.Glu215fs; shifts the reading frame from glutamic acid 215.
Molecular consequence: frameshift variant.
Genome position (GRCh38, 1-based): chr13:32,329,454, G deleted. VCF-style (leftmost placement, unchanged base first): chr13-32329453-AG-A. GRCh37 (hg19) VCF-style: chr13-32903590-AG-A.
Other names: c.643delG (NM_000059.4); short protein forms E215fs.
Identifiers: ClinVar variation 1180448 (VCV001180448.7), dbSNP rs2137458206, ClinGen allele CA2499222053.